The following is an entry in ClinVar:

NM_016373.4(WWOX):c.606G>C (p.Val202=)

Gene: WWOX (WW domain containing oxidoreductase; plus strand). Cytogenetic location: 16q23.1.
Variant type: single nucleotide variant.
Coding change: c.606G>C on transcript NM_016373.4 (MANE Select); coding-DNA position 606, G replaced by C.
Protein change: p.Val202=; no amino-acid change (valine 202 retained).
Molecular consequence: synonymous variant.
Genome position (GRCh38, 1-based): chr16:78,424,870, G>C. VCF-style: chr16-78424870-G-C. GRCh37 (hg19) VCF-style: chr16-78458767-G-C.
Other names: c.267G>C, p.Val89= (NM_001291997.2).
Identifiers: ClinVar variation 856460 (VCV000856460.10), dbSNP rs1232120355, ClinGen allele CA496609208.

ClinVar aggregate classification (germline): Uncertain significance (1 of 4 stars; one submission).

Conditions:
Autosomal recessive spinocerebellar ataxia 12. Also called: SPINOCEREBELLAR ATAXIA WITH MENTAL RETARDATION AND EPILEPSY. Identifiers: Orphanet 284282, MedGen C3280452, MONDO:0013687, OMIM 614322.
Developmental and epileptic encephalopathy, 1 (DEE1). Also called: X-linked infantile spasms; West's syndrome; Tonic spasms with clustering, arrest of psychomotor development and hypsarrhythmia on EEG; X-Linked Infantile Spasm Syndrome; OHTAHARA SYNDROME, X-LINKED; INFANTILE SPASM SYNDROME, X-LINKED 1. Identifiers: MedGen C3463992, MONDO:0010632, OMIM 308350. Disease mechanism: loss of function.

gnomAD v4.1: 4 of 1,613,912 alleles (0.00025%); highest among the groups gnomAD compares: African/African-American, 0.0027%; no homozygotes.

Submission:

Labcorp Genetics (formerly Invitae), Labcorp
Classification: Uncertain significance for Developmental and epileptic encephalopathy, 1; Autosomal recessive spinocerebellar ataxia 12. Last evaluated: 2019-05-16. Review status: criteria provided, single submitter. Criteria: Invitae Variant Classification Sherloc (09022015). Collection method: clinical testing. Allele origin: germline.
Comment: This variant has not been reported in the literature in individuals with WWOX-related conditions. Algorithms developed to predict the effect of sequence changes on RNA splicing suggest that this variant may disrupt the consensus splice site, but this prediction has not been confirmed by published transcriptional studies. In summary, the available evidence is currently insufficient to determine the role of this variant in disease. Therefore, it has been classified as a Variant of Uncertain Significance. This variant is not present in population databases (ExAC no frequency). This sequence change affects codon 202 of the WWOX mRNA. It is a 'silent' change, meaning that it does not change the encoded amino acid sequence of the WWOX protein.